The following is an entry in ClinVar:

NM_139137.4(KCNC2):c.938A>C (p.Asn313Thr)

Gene: KCNC2 (potassium voltage-gated channel subfamily C member 2; minus strand). Cytogenetic location: 12q21.1.
Variant type: single nucleotide variant.
Coding change: c.938A>C on transcript NM_139137.4 (MANE Select); coding-DNA position 938, A replaced by C.
Protein change: p.Asn313Thr; replaces asparagine 313 with threonine.
Molecular consequence: missense variant. On other transcripts: non-coding transcript variant (1).
Genome position (GRCh38, 1-based): chr12:75,051,067, T>G on the plus strand (A>C on the coding strand, the complement: KCNC2 is on the minus strand). VCF-style: chr12-75051067-T-G. GRCh37 (hg19) VCF-style: chr12-75444847-T-G.
Other names: c.938A>C, p.Asn313Thr (NM_001260497.2, NM_001260498.2, NM_001260499.2 and 13 more transcripts); short protein forms N313T.
Identifiers: ClinVar variation 4086744 (VCV004086744.1).

ClinVar aggregate classification (germline): Uncertain significance (1 of 4 stars; one submission).

Submission:

GeneDx
Classification: Uncertain significance. Last evaluated: 2025-03-17. Review status: criteria provided, single submitter. Criteria: GeneDx Variant Classification Process June 2021. Collection method: clinical testing. Allele origin: germline. Affected: yes.
Comment: Not observed at significant frequency in large population cohorts (gnomAD); In silico analysis indicates that this missense variant does not alter protein structure/function; Has not been previously published as pathogenic or benign to our knowledge.